The following is an entry in ClinVar:

ClinVar aggregate classification (germline): Uncertain significance (1 of 4 stars; one submission).

Conditions:
Tuberous sclerosis 2 (TSC2). Identifiers: Orphanet 805, MedGen C1860707, MONDO:0013199, OMIM 613254.

Submission:

Labcorp Genetics (formerly Invitae), Labcorp
Classification: Uncertain significance for Tuberous sclerosis 2. Last evaluated: 2019-08-30. Review status: criteria provided, single submitter. Criteria: Invitae Variant Classification Sherloc (09022015). Collection method: clinical testing. Allele origin: germline.
Comment: In summary, the available evidence is currently insufficient to determine the role of this variant in disease. Therefore, it has been classified as a Variant of Uncertain Significance. This variant disrupts the p.Glu1552 amino acid residue in TSC2. Other variant(s) that disrupt this residue have been determined to be pathogenic (PMID: 11112665, 22903760, 23389244). This suggests that this residue is clinically significant, and that variants that disrupt this residue are likely to be disease-causing. This variant has not been reported in the literature in individuals with TSC2-related conditions. This variant is not present in population databases (ExAC no frequency). This variant, c.4637_4660del, results in the deletion of 8 amino acids of the TSC2 protein (p.Ala1546_Gln1554delinsGlu), but otherwise preserves the integrity of the reading frame.

Literature cited by the submitters: PubMed 11112665; PubMed 22903760; PubMed 23389244.

NM_000548.5(TSC2):c.4637_4660del (p.Ala1546_Gln1554delinsGlu)

Gene: TSC2 (TSC complex subunit 2; plus strand). Cytogenetic location: 16p13.3.
Variant type: Deletion.
Coding change: c.4637_4660del on transcript NM_000548.5 (MANE Select); coding-DNA positions 4637 to 4660, 24 bases deleted (CCGTCCTGTATGTTGGAGAAGGCC).
Protein change: p.Ala1546_Gln1554delinsGlu.
Molecular consequence: inframe indel.
Genome position (GRCh38, 1-based): chr16:2,085,297-2,085,320, CCGTCCTGTATGTTGGAGAAGGCC deleted. VCF-style (leftmost placement, unchanged base first): chr16-2085296-GCCGTCCTGTATGTTGGAGAAGGCC-G. GRCh37 (hg19) VCF-style: chr16-2135297-GCCGTCCTGTATGTTGGAGAAGGCC-G.
Other names: c.4436_4459del, p.Ala1479_Gln1487delinsGlu (NM_001077183.3); c.4568_4591del, p.Ala1523_Gln1531delinsGlu (NM_001114382.3); c.4328_4351del, p.Ala1443_Gln1451delinsGlu (NM_001318827.2); c.4292_4315del, p.Ala1431_Gln1439delinsGlu (NM_001318829.2); c.3905_3928del, p.Ala1302_Gln1310delinsGlu (NM_001318831.2); c.4469_4492del, p.Ala1490_Gln1498delinsGlu (NM_001318832.2); c.4439_4462del, p.Ala1480_Gln1488delinsGlu (NM_001363528.2); c.4505_4528del, p.Ala1502_Gln1510delinsGlu (NM_001370404.1); and 1 more.
Identifiers: ClinVar variation 962721 (VCV000962721.8), dbSNP rs2090630615, ClinGen allele CA1139664288.